The following is an entry in ClinVar:

NC_000010.10:g.(?_95418638)_(95418944_?)dup

Gene: PDE6C (phosphodiesterase 6C; plus strand). Cytogenetic location: 10q23.33.
Variant type: Duplication.
Identifiers: ClinVar variation 2425524 (VCV002425524.4).

ClinVar aggregate classification (germline): Likely pathogenic (1 of 4 stars; one submission).

Submission:

Labcorp Genetics (formerly Invitae), Labcorp
Classification: Likely pathogenic. Last evaluated: 2022-05-15. Review status: criteria provided, single submitter. Criteria: Invitae Variant Classification Sherloc (09022015). Collection method: clinical testing. Allele origin: germline.
Comment: This variant results in a copy number gain of the genomic region encompassing exon(s) 17-18 of the PDE6C gene. While the exact position of this variant cannot be determined from the data, sub-genic copy number gains are generally in tandem (PMID: 25640679). This variant is predicted to be out-of-frame, and may result in an absent or disrupted protein product. Loss-of-function variants in PDE6C are known to be pathogenic (PMID: 19887631, 23776498, 26103963, 30080950). This variant has not been reported in the literature in individuals affected with PDE6C-related conditions. In summary, the currently available evidence indicates that the variant is pathogenic, but additional data are needed to prove that conclusively. Therefore, this variant has been classified as Likely Pathogenic.

Literature cited by the submitters: PubMed 25640679; PubMed 19887631; PubMed 23776498; PubMed 26103963; PubMed 30080950.